The following is an entry in ClinVar:

ClinVar aggregate classification (germline): Uncertain significance (1 of 4 stars; one submission).

Conditions:
Werner syndrome (WRN). Identifiers: Orphanet 902, MedGen C0043119, MONDO:0010196, OMIM 277700.

Submission:

Labcorp Genetics (formerly Invitae), Labcorp
Classification: Uncertain significance for Werner syndrome. Last evaluated: 2023-09-05. Review status: criteria provided, single submitter. Criteria: Invitae Variant Classification Sherloc (09022015). Collection method: clinical testing. Allele origin: germline.
Comment: In summary, the available evidence is currently insufficient to determine the role of this variant in disease. Therefore, it has been classified as a Variant of Uncertain Significance. An algorithm developed to predict the effect of missense changes on protein structure and function (PolyPhen-2) suggests that this variant is likely to be disruptive. This variant has not been reported in the literature in individuals affected with WRN-related conditions. This variant is not present in population databases (gnomAD no frequency). This sequence change replaces valine, which is neutral and non-polar, with alanine, which is neutral and non-polar, at codon 1185 of the WRN protein (p.Val1185Ala).

NM_000553.6(WRN):c.3554T>C (p.Val1185Ala)

Gene: WRN (WRN RecQ like helicase; plus strand). Cytogenetic location: 8p12.
Variant type: single nucleotide variant.
Coding change: c.3554T>C on transcript NM_000553.6 (MANE Select); coding-DNA position 3554, T replaced by C.
Protein change: p.Val1185Ala; replaces valine 1185 with alanine.
Molecular consequence: missense variant.
Genome position (GRCh38, 1-based): chr8:31,147,458, T>C. VCF-style: chr8-31147458-T-C. GRCh37 (hg19) VCF-style: chr8-31004974-T-C.
Other names: short protein forms V1185A.
Identifiers: ClinVar variation 2753764 (VCV002753764.3), dbSNP rs2536043373, ClinGen allele CA370926087.